The following is an entry in ClinVar:

NM_004946.3(DOCK2):c.2342T>C (p.Met781Thr)

Gene: DOCK2 (dedicator of cytokinesis 2; plus strand). Cytogenetic location: 5q35.1.
Variant type: single nucleotide variant.
Coding change: c.2342T>C on transcript NM_004946.3 (MANE Select); coding-DNA position 2342, T replaced by C.
Protein change: p.Met781Thr; replaces methionine 781 with threonine.
Molecular consequence: missense variant. On other transcripts: non-coding transcript variant (1).
Genome position (GRCh38, 1-based): chr5:169,747,470, T>C. VCF-style: chr5-169747470-T-C. GRCh37 (hg19) VCF-style: chr5-169174474-T-C.
Other names: short protein forms M781T.
Identifiers: ClinVar variation 850732 (VCV000850732.10), dbSNP rs1359715138, ClinGen allele CA362196214.

ClinVar aggregate classification (germline): Uncertain significance (1 of 4 stars; one submission).

Conditions:
DOCK2 deficiency. Also called: Immunodeficiency 40. Identifiers: Orphanet 447737, MedGen C4225328, MONDO:0014637, OMIM 616433.

Allele frequency attached by ClinVar (database versions not stated): gnomAD 0.00001; TOPMed 0.00001.
gnomAD v4.1: 1 of 1,613,692 alleles (0.000062%); highest among the groups gnomAD compares: African/African-American, 0.0013%; no homozygotes.

Submission:

Labcorp Genetics (formerly Invitae), Labcorp
Classification: Uncertain significance for DOCK2 deficiency. Last evaluated: 2019-12-31. Review status: criteria provided, single submitter. Criteria: Invitae Variant Classification Sherloc (09022015). Collection method: clinical testing. Allele origin: germline.
Comment: This variant is not present in population databases (ExAC no frequency). This sequence change replaces methionine with threonine at codon 781 of the DOCK2 protein (p.Met781Thr). The methionine residue is moderately conserved and there is a moderate physicochemical difference between methionine and threonine. This variant has not been reported in the literature in individuals with DOCK2-related conditions. In summary, the available evidence is currently insufficient to determine the role of this variant in disease. Therefore, it has been classified as a Variant of Uncertain Significance. Algorithms developed to predict the effect of missense changes on protein structure and function are either unavailable or do not agree on the potential impact of this missense change (SIFT: "Deleterious"; PolyPhen-2: "Benign"; Align-GVGD: "Class C0").